The following is an entry in ClinVar:

ClinVar aggregate classification (germline): Conflicting classifications of pathogenicity. Review status: criteria provided, conflicting classifications (1 of 4 stars). 3 submissions from 3 submitters: Uncertain significance (1); Likely benign (2). Last evaluated 2026-01-12.

Conditions:
MYOZ2-related disorder. Also called: MYOZ2-related condition.
Cardiomyopathy (CMYO). Also called: Cardiomyopathies. Identifiers: Orphanet 167848, MedGen C0878544, MONDO:0004994, HP:0001638. Inheritance: Various modes of inheritance.
Hypertrophic cardiomyopathy. Also called: HYPERTROPHIC MYOCARDIOPATHY. Identifiers: Orphanet 217569, MedGen C0007194, MeSH D002312, MONDO:0005045, HP:0001639.

Allele frequency attached by ClinVar (database versions not stated): gnomAD 0.00003 and 0.00012; TOPMed 0.00006; gnomAD exomes 0.00008 and 0.00018; ExAC 0.00017; 1000 Genomes Project 0.00140; 1000 Genomes Project 30x 0.00141.
gnomAD v4.1: 136 of 1,613,870 alleles (0.0084%); highest among the groups gnomAD compares: South Asian, 0.12%; 1 homozygote.

Submissions (3):

Labcorp Genetics (formerly Invitae), Labcorp
Classification: Likely benign for Hypertrophic cardiomyopathy. Last evaluated: 2026-01-12. Review status: criteria provided, single submitter. Criteria: Invitae Variant Classification Sherloc (09022015). Collection method: clinical testing. Allele origin: germline.

PreventionGenetics, part of Exact Sciences
Classification: Likely benign for MYOZ2-related condition. Last evaluated: 2025-07-08. Review status: criteria provided, single submitter. Criteria: ACMG Guidelines, 2015. Collection method: clinical testing. Allele origin: germline.
Comment: This variant is classified as likely benign based on ACMG/AMP sequence variant interpretation guidelines (Richards et al. 2015 PMID: 25741868, with internal and published modifications).

CHEO Genetics Diagnostic Laboratory, Children's Hospital of Eastern Ontario
Classification: Uncertain significance for Cardiomyopathy. Last evaluated: 2016-02-02. Review status: criteria provided, single submitter. Criteria: ACMG Guidelines, 2015. Collection method: clinical testing. Allele origin: germline. Study: Canadian Open Genetics Repository.

NM_016599.5(MYOZ2):c.376+9T>A

Gene: MYOZ2 (myozenin 2; plus strand). Cytogenetic location: 4q26.
Variant type: single nucleotide variant.
Coding change: c.376+9T>A on transcript NM_016599.5 (MANE Select); 9 bases into the intron after coding-DNA position 376, T replaced by A.
Molecular consequence: intron variant.
Genome position (GRCh38, 1-based): chr4:119,158,160, T>A. VCF-style: chr4-119158160-T-A. GRCh37 (hg19) VCF-style: chr4-120079315-T-A.
Identifiers: ClinVar variation 626725 (VCV000626725.10), dbSNP rs536009604, ClinGen allele CA3058603.